The following is an entry in ClinVar:

ClinVar aggregate classification (germline): Pathogenic (1 of 4 stars; one submission).

Submission:

Labcorp Genetics (formerly Invitae), Labcorp
Classification: Pathogenic. Last evaluated: 2021-12-20. Review status: criteria provided, single submitter. Criteria: Invitae Variant Classification Sherloc (09022015). Collection method: clinical testing. Allele origin: germline.
Comment: This sequence change creates a premature translational stop signal (p.Trp154*) in the HPS1 gene. It is expected to result in an absent or disrupted protein product. Loss-of-function variants in HPS1 are known to be pathogenic (PMID: 12442288, 16185271). This variant is not present in population databases (gnomAD no frequency). This premature translational stop signal has been observed in individual(s) with Hermansky-Pudlak syndrome (PMID: 20456745). For these reasons, this variant has been classified as Pathogenic.

Literature cited by the submitters: PubMed 12442288; PubMed 16185271; PubMed 20456745.

NM_000195.5(HPS1):c.462G>A (p.Trp154Ter)

Gene: HPS1 (HPS1 biogenesis of lysosomal organelles complex 3 subunit 1; minus strand). Cytogenetic location: 10q24.2.
Variant type: single nucleotide variant.
Coding change: c.462G>A on transcript NM_000195.5 (MANE Select); coding-DNA position 462, G replaced by A.
Protein change: p.Trp154Ter; replaces tryptophan 154 with a stop codon.
Molecular consequence: nonsense. On other transcripts: 5 prime UTR variant (3), missense variant (3).
Genome position (GRCh38, 1-based): chr10:98,434,028, C>T on the plus strand (G>A on the coding strand, the complement: HPS1 is on the minus strand). VCF-style: chr10-98434028-C-T. GRCh37 (hg19) VCF-style: chr10-100193785-C-T.
Other names: c.-455G>A (NM_001311345.2, NM_001322489.2); c.462G>A, p.Trp154Ter (NM_001322476.2, NM_001322477.2, NM_001322478.2 and 5 more transcripts); c.319G>A, p.Asp107Asn (NM_001322480.2, NM_001322481.2, NM_001322482.2); c.93G>A, p.Trp31Ter (NM_001322483.2, NM_001322484.2, NM_001322485.2); c.-554G>A (NM_001322487.2); short protein forms D107N, W154*, W31*.
Identifiers: ClinVar variation 2045009 (VCV002045009.4), dbSNP rs2538967043, ClinGen allele CA378053929.
Genomic context (GRCh38, chr10:98,434,028, plus strand): 5'-GCGCCCAGTAGTCACCTCCACGGCGAAGCACTGCTCCTGCTCCCGCAGGCGGCTGTAGGT[C>T]CACAGCAGGCTCTGGAAGTGCTCCCACAGCTGGACACGCTGCGCCAGGTCTGGGGGCCGC-3'